The following is an entry in ClinVar:

ClinVar aggregate classification (germline): Benign. Review status: criteria provided, multiple submitters, no conflicts (2 of 4 stars). 3 submissions from 3 submitters: Benign (2). 1 of the submissions does not count toward it. Last evaluated 2026-01-27.

Conditions:
GCGR-related disorder. Also called: GCGR-related condition.

Allele frequency attached by ClinVar (database versions not stated): TOPMed 0.06659; gnomAD 0.07628 and 0.07416; ESP Exome Variant Server 0.08848; 1000 Genomes Project 0.03454; 1000 Genomes Project 30x 0.03545; ExAC 0.05680; gnomAD exomes 0.06786.

Submissions (3):

Labcorp Genetics (formerly Invitae), Labcorp
Classification: Benign. Last evaluated: 2026-01-27. Review status: criteria provided, single submitter. Criteria: Invitae Variant Classification Sherloc (09022015). Collection method: clinical testing. Allele origin: germline.

Breakthrough Genomics
Classification: Benign. Review status: criteria provided, single submitter. Criteria: ACMG Guidelines, 2015. Collection method: not provided. Allele origin: germline. Inheritance: Autosomal recessive inheritance. Affected: yes.

PreventionGenetics, part of Exact Sciences
Classification: Benign for GCGR-related condition. Last evaluated: 2019-10-21. Review status: no assertion criteria provided. Collection method: clinical testing. Allele origin: germline. Not counted in ClinVar's aggregate classification.
Comment: This variant is classified as benign based on ACMG/AMP sequence variant interpretation guidelines (Richards et al. 2015 PMID: 25741868, with internal and published modifications).

NM_000160.5(GCGR):c.465C>G (p.Ala155=)

Gene: GCGR (glucagon receptor; plus strand). Cytogenetic location: 17q25.3.
Variant type: single nucleotide variant.
Coding change: c.465C>G on transcript NM_000160.5 (MANE Select); coding-DNA position 465, C replaced by G.
Protein change: p.Ala155=; no amino-acid change (alanine 155 retained).
Molecular consequence: synonymous variant.
Genome position (GRCh38, 1-based): chr17:81,811,293, C>G. VCF-style: chr17-81811293-C-G. GRCh37 (hg19) VCF-style: chr17-79769169-C-G.
Other names: c.465C>G (NM_000160.4).
Identifiers: ClinVar variation 1668612 (VCV001668612.11), dbSNP rs5386, ClinGen allele CA8842062.